The following is an entry in ClinVar:

NM_203447.4(DOCK8):c.2751_2753del (p.Glu918del)

Gene: DOCK8 (dedicator of cytokinesis 8; plus strand). Cytogenetic location: 9p24.3.
Variant type: Deletion.
Coding change: c.2751_2753del on transcript NM_203447.4 (MANE Select); coding-DNA positions 2751 to 2753, 3 bases deleted (GGA; older notation c.2751_2753delGGA).
Protein change: p.Glu918del; deletes glutamic acid 918.
Molecular consequence: inframe deletion.
Genome position (GRCh38, 1-based): chr9:382,658-382,660, GGA deleted; deleting any 3 consecutive bases within chr9:382,656-382,660 gives the same sequence; the c. name uses the placement nearest the transcript's 3' end. VCF-style (leftmost placement, unchanged base first): chr9-382655-CGAG-C. GRCh37 (hg19) VCF-style: chr9-382655-CGAG-C.
Other names: c.2547_2549del, p.Glu850del (NM_001190458.2, NM_001193536.2); short protein forms E850del, E918del.
Identifiers: ClinVar variation 2421216 (VCV002421216.10), dbSNP rs2538390262, ClinGen allele CA2579287069.

ClinVar aggregate classification (germline): Uncertain significance (1 of 4 stars; one submission).

Conditions:
Combined immunodeficiency due to DOCK8 deficiency (HIES2). Also called: HYPER-IgE RECURRENT INFECTION SYNDROME 2, AUTOSOMAL RECESSIVE; DOCK8 Deficiency; HIES autosomal recessive; Hyper-IgE recurrent infection syndrome, autosomal recessive; HYPER-IgE SYNDROME 2, AUTOSOMAL RECESSIVE, WITH RECURRENT INFECTIONS. Identifiers: Orphanet 217390, MedGen C4722305, MONDO:0009478, OMIM 243700.

Submission:

Labcorp Genetics (formerly Invitae), Labcorp
Classification: Uncertain significance for Combined immunodeficiency due to DOCK8 deficiency. Last evaluated: 2022-05-28. Review status: criteria provided, single submitter. Criteria: Invitae Variant Classification Sherloc (09022015). Collection method: clinical testing. Allele origin: germline.
Comment: In summary, the available evidence is currently insufficient to determine the role of this variant in disease. Therefore, it has been classified as a Variant of Uncertain Significance. This variant has not been reported in the literature in individuals affected with DOCK8-related conditions. This variant is not present in population databases (gnomAD no frequency). This variant, c.2751_2753del, results in the deletion of 1 amino acid(s) of the DOCK8 protein (p.Glu918del), but otherwise preserves the integrity of the reading frame.